The following is an entry in ClinVar:

ClinVar aggregate classification (germline): Uncertain significance (1 of 4 stars; one submission).

Submission:

Labcorp Genetics (formerly Invitae), Labcorp
Classification: Uncertain significance. Last evaluated: 2023-03-23. Review status: criteria provided, single submitter. Criteria: Invitae Variant Classification Sherloc (09022015). Collection method: clinical testing. Allele origin: germline.
Comment: This sequence change affects a donor splice site in intron 3 of the ICOSLG gene. It is expected to disrupt RNA splicing. Variants that disrupt the donor or acceptor splice site typically lead to a loss of protein function (PMID: 16199547), however the current clinical and genetic evidence is not sufficient to establish whether loss-of-function variants in ICOSLG cause disease. This variant is not present in population databases (gnomAD no frequency). This variant has not been reported in the literature in individuals affected with ICOSLG-related conditions. Algorithms developed to predict the effect of sequence changes on RNA splicing suggest that this variant may disrupt the consensus splice site. In summary, the available evidence is currently insufficient to determine the role of this variant in disease. Therefore, it has been classified as a Variant of Uncertain Significance.

Literature cited by the submitters: PubMed 16199547.

NM_015259.6(ICOSLG):c.406+1G>A

Gene: ICOSLG (inducible T cell costimulator ligand; minus strand). Cytogenetic location: 21q22.3.
Variant type: single nucleotide variant.
Coding change: c.406+1G>A on transcript NM_015259.6 (MANE Select); the canonical splice donor site of the intron after coding-DNA position 406, G replaced by A.
Molecular consequence: splice donor variant. On other transcripts: intron variant (1).
Genome position (GRCh38, 1-based): chr21:44,236,866, C>T on the plus strand (G>A on the coding strand, the complement: ICOSLG is on the minus strand). VCF-style: chr21-44236866-C-T. GRCh37 (hg19) VCF-style: chr21-45656749-C-T.
Other names: c.56-1304G>A (NM_001283051.2); c.151+1G>A (NM_001283052.2); c.406+1G>A (NM_001283050.2, NM_001395918.1); c.325+1G>A (NM_001365759.2).
Identifiers: ClinVar variation 2848852 (VCV002848852.3), dbSNP rs2517847385, ClinGen allele CA410615751.